The following is an entry in ClinVar:

ClinVar aggregate classification (germline): Uncertain significance. Review status: criteria provided, multiple submitters, no conflicts (2 of 4 stars). 2 submissions from 2 submitters: Uncertain significance (2). Last evaluated 2024-10-25.

Conditions:
Tuberous sclerosis syndrome (TSC). Also called: Tuberous Sclerosis Complex; Tuberous sclerosis. Identifiers: Orphanet 805, MedGen C0041341, MONDO:0001734.
Hereditary cancer-predisposing syndrome. Also called: Hereditary neoplastic syndrome; Neoplastic Syndromes, Hereditary; Tumor predisposition; Hereditary Cancer Syndrome. Identifiers: Orphanet 140162, MedGen C0027672, MeSH D009386, MONDO:0015356.

Submissions (2):

Ambry Genetics
Classification: Uncertain significance for Hereditary cancer-predisposing syndrome. Last evaluated: 2024-10-25. Review status: criteria provided, single submitter. Criteria: Ambry Variant Classification Scheme 2023. Collection method: clinical testing. Allele origin: germline.
Comment: The p.A1238V variant (also known as c.3713C>T), located in coding exon 30 of the TSC2 gene, results from a C to T substitution at nucleotide position 3713. The alanine at codon 1238 is replaced by valine, an amino acid with similar properties. This variant was reported in an individual with a clinical diagnosis of tuberous sclerosis complex based on criteria from the 2012 International Tuberous Sclerosis Complex Consensus Group (Sudarshan S et al. BMC Med Genet, 2019 Oct;20:164). This amino acid position is well conserved in available vertebrate species. In addition, the in silico prediction for this alteration is inconclusive. Based on the available evidence, the clinical significance of this variant remains unclear.

All of Us Research Program, National Institutes of Health
Classification: Uncertain significance for Tuberous sclerosis syndrome. Last evaluated: 2023-11-20. Review status: criteria provided, single submitter. Criteria: ACMG Guidelines, 2015. Collection method: clinical testing. Allele origin: germline. Inheritance: Autosomal dominant inheritance. Observed: 1 variant allele, 1 heterozygote.
Comment: This missense variant replaces alanine with valine at codon 1238 of the TSC2 protein. Computational prediction is inconclusive regarding the impact of this variant on protein structure and function (internally defined REVEL score threshold 0.5 < inconclusive < 0.7, PMID: 27666373). To our knowledge, functional studies have not been reported for this variant. This variant has not been reported in individuals affected with TSC2-related disorders in the literature. This variant has not been identified in the general population by the Genome Aggregation Database (gnomAD). The available evidence is insufficient to determine the role of this variant in disease conclusively. Therefore, this variant is classified as a Variant of Uncertain Significance.

This study involves interpretation of variants in research participants for the purpose of population health screening. Participant phenotype was not available at the time of variant classification. Additional details can be found in publication PMID: 35346344, PMCID: PMC8962531

Literature cited by the submitters: PubMed 31655562 (cited by Ambry Genetics).

NM_000548.5(TSC2):c.3713C>T (p.Ala1238Val)

Gene: TSC2 (TSC complex subunit 2; plus strand). Cytogenetic location: 16p13.3.
Variant type: single nucleotide variant.
Coding change: c.3713C>T on transcript NM_000548.5 (MANE Select); coding-DNA position 3713, C replaced by T.
Protein change: p.Ala1238Val; replaces alanine 1238 with valine.
Molecular consequence: missense variant. On other transcripts: non-coding transcript variant (5).
Genome position (GRCh38, 1-based): chr16:2,081,697, C>T. VCF-style: chr16-2081697-C-T. GRCh37 (hg19) VCF-style: chr16-2131698-C-T.
Other names: c.3581C>T, p.Ala1194Val (NM_001077183.3, NM_001370404.1, NM_001406665.1); c.3713C>T, p.Ala1238Val (NM_001114382.3); c.3473C>T, p.Ala1158Val (NM_001318827.2); c.3437C>T, p.Ala1146Val (NM_001318829.2); c.2981C>T, p.Ala994Val (NM_001318831.2, NM_001406687.1, NM_001406688.1); c.3614C>T, p.Ala1205Val (NM_001318832.2); c.3584C>T, p.Ala1195Val (NM_001363528.2, NM_001370405.1, NM_021055.3); c.3710C>T, p.Ala1237Val (NM_001406663.1, NM_001406664.1); and 18 more; short protein forms A1037V, A1038V, A1041V, A1145V, A1146V, A1157V, A1158V, A1175V.
Identifiers: ClinVar variation 3074648 (VCV003074648.2), dbSNP rs2151482691, ClinGen allele CA394292712.